The following is an entry in ClinVar:

NM_020433.5(JPH2):c.107del (p.Gly36fs)

Gene: JPH2 (junctophilin 2; minus strand). Cytogenetic location: 20q13.12.
Variant type: Deletion.
Coding change: c.107del on transcript NM_020433.5 (MANE Select); coding-DNA position 107, one base deleted (G; older notation c.107delG).
Protein change: p.Gly36fs; shifts the reading frame from glycine 36.
Molecular consequence: frameshift variant.
Genome position (GRCh38, 1-based): chr20:44,186,599, C deleted on the plus strand (G on the coding strand, the reverse complement: JPH2 is on the minus strand); the first of 3 consecutive C bases (chr20:44,186,599-44,186,601); deleting any one gives the same sequence. VCF-style (leftmost placement, unchanged base first): chr20-44186598-GC-G. GRCh37 (hg19) VCF-style: chr20-42815238-GC-G.
Other names: c.107del, p.Gly36fs (NM_175913.4); short protein forms G36fs.
Identifiers: ClinVar variation 4813523 (VCV004813523.1).

ClinVar aggregate classification (germline): Pathogenic (1 of 4 stars; one submission).

Conditions:
Hypertrophic cardiomyopathy 17. Identifiers: MedGen C3151264, MONDO:0013474, OMIM 613873.

Submission:

Mendelics
Classification: Pathogenic for Hypertrophic cardiomyopathy 17. Last evaluated: 2026-03-05. Review status: criteria provided, single submitter. Criteria: ACMG Guidelines, 2015. Collection method: clinical testing. Allele origin: unknown.
Comment: Likely pathogenic/Pathogenic according to ACMG criteria.